The following is an entry in ClinVar:

ClinVar aggregate classification (germline): Pathogenic. Review status: criteria provided, multiple submitters, no conflicts (2 of 4 stars). 2 submissions from 2 submitters: Pathogenic (2). Last evaluated 2023-07-22.

Conditions:
Wolcott-Rallison dysplasia. Also called: Wolcott-Rallison syndrome; MED-IDDM SYNDROME. Identifiers: Orphanet 1667, MedGen C0432217, MONDO:0009192, OMIM 226980.

Allele frequency attached by ClinVar (database versions not stated): gnomAD exomes below 0.00001.
gnomAD v4.1: 1 of 1,613,794 alleles (0.000062%); highest among the groups gnomAD compares: Non-Finnish European, 0.000085%; no homozygotes.

Submissions (2):

Laboratorio de Genetica e Diagnostico Molecular, Hospital Israelita Albert Einstein
Classification: Pathogenic for Wolcott-Rallison dysplasia. Last evaluated: 2023-07-22. Review status: criteria provided, single submitter. Criteria: ACMG Guidelines, 2015. Collection method: clinical testing. Allele origin: germline. Affected: yes.
Comment: ACMG classification criteria: PVS1 very strong, PM2 moderate, PM3 moderate

Programa de Pós-Graduação em Ciências Genômicas e Biotecnologia, Universidade Católica de Brasília
Classification: Pathogenic for Wolcott-Rallison syndrome. Last evaluated: 2015-04-01. Review status: criteria provided, single submitter. Criteria: Submitter's publication. Collection method: research. Allele origin: inherited. Affected: yes.

NM_004836.7(EIF2AK3):c.1192C>T (p.Gln398Ter)

Gene: EIF2AK3 (eukaryotic translation initiation factor 2 alpha kinase 3; minus strand). Cytogenetic location: 2p11.2.
Variant type: single nucleotide variant.
Coding change: c.1192C>T on transcript NM_004836.7 (MANE Select); coding-DNA position 1192, C replaced by T.
Protein change: p.Gln398Ter; replaces glutamine 398 with a stop codon.
Molecular consequence: nonsense.
Genome position (GRCh38, 1-based): chr2:88,588,875, G>A on the plus strand (C>T on the coding strand, the complement: EIF2AK3 is on the minus strand). VCF-style: chr2-88588875-G-A. GRCh37 (hg19) VCF-style: chr2-88888393-G-A.
Other names: c.739C>T, p.Gln247Ter (NM_001313915.2); short protein forms Q398*, Q247*.
Identifiers: ClinVar variation 208168 (VCV000208168.3), dbSNP rs864621972, ClinGen allele CA339733.